The following is an entry in ClinVar:

NM_004793.4(LONP1):c.876G>T (p.Leu292=)

Gene: LONP1 (lon peptidase 1, mitochondrial; minus strand). Cytogenetic location: 19p13.3.
Variant type: single nucleotide variant.
Coding change: c.876G>T on transcript NM_004793.4 (MANE Select); coding-DNA position 876, G replaced by T.
Protein change: p.Leu292=; no amino-acid change (leucine 292 retained).
Molecular consequence: synonymous variant. On other transcripts: non-coding transcript variant (1).
Genome position (GRCh38, 1-based): chr19:5,708,398, C>A on the plus strand (G>T on the coding strand, the complement: LONP1 is on the minus strand). VCF-style: chr19-5708398-C-A. GRCh37 (hg19) VCF-style: chr19-5708409-C-A.
Other names: c.684G>T, p.Leu228= (NM_001276479.2); c.288G>T, p.Leu96= (NM_001276480.1).
Identifiers: ClinVar variation 762986 (VCV000762986.27), dbSNP rs775140752, ClinGen allele CA9114922.

ClinVar aggregate classification (germline): Likely benign. Review status: criteria provided, multiple submitters, no conflicts (2 of 4 stars). 2 submissions from 2 submitters: Likely benign (2). Last evaluated 2023-09-01.

Allele frequency attached by ClinVar (database versions not stated): gnomAD exomes below 0.00001 and 0.00002; ExAC 0.00001.
gnomAD v4.1: 2 of 1,587,356 alleles (0.00013%); highest among the groups gnomAD compares: Non-Finnish European, 0.00017%; no homozygotes.

Submissions (2):

CeGaT Center for Human Genetics Tuebingen
Classification: Likely benign. Last evaluated: 2023-09-01. Review status: criteria provided, single submitter. Criteria: CeGaT Center For Human Genetics Tuebingen Variant Classification Criteria Version 2. Collection method: clinical testing. Allele origin: germline. Affected: yes. Observed: 1 variant allele.
Comment: LONP1: BP4, BP7

Labcorp Genetics (formerly Invitae), Labcorp
Classification: Likely benign. Last evaluated: 2018-08-16. Review status: criteria provided, single submitter. Criteria: Invitae Variant Classification Sherloc (09022015). Collection method: clinical testing. Allele origin: germline.